The following is an entry in ClinVar:

ClinVar aggregate classification (germline): Likely benign. Review status: criteria provided, multiple submitters, no conflicts (2 of 4 stars). 4 submissions from 4 submitters: Likely benign (4). Last evaluated 2026-01-04.

Conditions:
Cardiovascular phenotype. Identifiers: MedGen CN230736.
Myofibrillar myopathy 4. Also called: Zaspopathy (type). Identifiers: Orphanet 98912, MedGen C4721886, MONDO:0012277, OMIM 609452.

Allele frequency attached by ClinVar (database versions not stated): gnomAD exomes below 0.00001 and 0.00001; ExAC 0.00001; TOPMed 0.00004; gnomAD 0.00005.
gnomAD v4.1: 11 of 1,614,102 alleles (0.00068%); highest among the groups gnomAD compares: African/African-American, 0.015%; no homozygotes.

Submissions (4):

Labcorp Genetics (formerly Invitae), Labcorp
Classification: Likely benign for Myofibrillar myopathy 4. Last evaluated: 2026-01-04. Review status: criteria provided, single submitter. Criteria: Invitae Variant Classification Sherloc (09022015). Collection method: clinical testing. Allele origin: germline.

ARUP Laboratories, Molecular Genetics and Genomics, ARUP Laboratories
Classification: Likely benign. Last evaluated: 2024-10-07. Review status: criteria provided, single submitter. Criteria: ARUP Molecular Germline Variant Investigation Process 2024. Collection method: clinical testing. Allele origin: germline.

Ambry Genetics
Classification: Likely benign for Cardiovascular phenotype. Last evaluated: 2019-01-02. Review status: criteria provided, single submitter. Criteria: Ambry Variant Classification Scheme 2023. Collection method: clinical testing. Allele origin: germline.

GeneDx
Classification: Likely benign. Last evaluated: 2015-12-07. Review status: criteria provided, single submitter. Criteria: GeneDx Variant Classification (06012015). Collection method: clinical testing. Allele origin: germline. Affected: yes.
Comment: This variant is considered likely benign or benign based on one or more of the following criteria: it is a conservative change, it occurs at a poorly conserved position in the protein, it is predicted to be benign by multiple in silico algorithms, and/or has population frequency not consistent with disease.

NM_007078.3(LDB3):c.1728C>T (p.Thr576=)

Gene: LDB3 (LIM domain binding 3; plus strand). Cytogenetic location: 10q23.2.
Variant type: single nucleotide variant.
Coding change: c.1728C>T on transcript NM_007078.3 (MANE Select); coding-DNA position 1728, C replaced by T.
Protein change: p.Thr576=; no amino-acid change (threonine 576 retained).
Molecular consequence: synonymous variant.
Genome position (GRCh38, 1-based): chr10:86,718,015, C>T. VCF-style: chr10-86718015-C-T. GRCh37 (hg19) VCF-style: chr10-88477772-C-T.
Other names: c.1728C>T (LRG_385t1); c.1398C>T, p.Thr466= (NM_001080114.2); c.1743C>T, p.Thr581= (NM_001171610.2); c.1539C>T, p.Thr513= (NM_001368064.1, NM_001368065.1); c.1587C>T, p.Thr529= (NM_001368066.1).
Identifiers: ClinVar variation 382044 (VCV000382044.12), dbSNP rs749988944, ClinGen allele CA5585223.
Genomic context (GRCh38, chr10:86,718,015, plus strand): 5'-CTTCCCCAGGGGCCCATTTCTGGTAGCCATGGGCCGTTCTTGGCACCCTGAAGAGTTCAC[C>T]TGTGCCTACTGCAAGACTTCCCTGGCAGATGTGTGCTTTGTGGAAGAGCAGAACAACGTT-3'
Protein context (NP_009009.1, residues 566-586): MGRSWHPEEF[Thr576=]CAYCKTSLAD